The following is an entry in ClinVar:

ClinVar aggregate classification (germline): Uncertain significance (1 of 4 stars; one submission).

Conditions:
Cardiovascular phenotype. Identifiers: MedGen CN230736.

Submission:

Ambry Genetics
Classification: Uncertain significance for Cardiovascular phenotype. Last evaluated: 2024-12-29. Review status: criteria provided, single submitter. Criteria: Ambry Variant Classification Scheme 2023. Collection method: clinical testing. Allele origin: germline.
Comment: The p.S228R variant (also known as c.682A>C), located in coding exon 3 of the APOA1 gene, results from an A to C substitution at nucleotide position 682. The serine at codon 228 is replaced by arginine, an amino acid with dissimilar properties. This amino acid position is conserved. In addition, this alteration is predicted to be tolerated by in silico analysis. Based on the available evidence, the clinical significance of this variant remains unclear.

NM_000039.3(APOA1):c.682A>C (p.Ser228Arg)

Gene: APOA1 (apolipoprotein A1; minus strand). Cytogenetic location: 11q23.3.
Variant type: single nucleotide variant.
Coding change: c.682A>C on transcript NM_000039.3 (MANE Select); coding-DNA position 682, A replaced by C.
Protein change: p.Ser228Arg; replaces serine 228 with arginine.
Molecular consequence: missense variant.
Genome position (GRCh38, 1-based): chr11:116,835,930, T>G on the plus strand (A>C on the coding strand, the complement: APOA1 is on the minus strand). VCF-style: chr11-116835930-T-G. GRCh37 (hg19) VCF-style: chr11-116706646-T-G.
Other names: c.682A>C, p.Ser228Arg (NM_001318017.2, NM_001318018.2, NM_001425090.1); c.355A>C, p.Ser119Arg (NM_001318021.2, NM_001425091.1, NM_001425092.1); c.637A>C, p.Ser213Arg (NM_001425093.1); short protein forms S119R, S213R, S228R.
Identifiers: ClinVar variation 3884145 (VCV003884145.1).